The following is an entry in ClinVar:

ClinVar aggregate classification (germline): Likely pathogenic (1 of 4 stars; one submission).

Conditions:
HSPG2-related disorder. Also called: HSPG2-related condition; HSPG2-related disorders.

Submission:

PreventionGenetics, part of Exact Sciences
Classification: Likely pathogenic for HSPG2-related condition. Last evaluated: 2025-07-29. Review status: criteria provided, single submitter. Criteria: ACMG Guidelines, 2015. Collection method: clinical testing. Allele origin: germline.
Comment: The HSPG2 c.11562+1G>T variant is predicted to disrupt the GT donor site and interfere with normal splicing. To our knowledge, this variant has not been reported in the literature or in a large population database (gnomAD), indicating this variant is rare. Alternate changes affecting the same splice site have been reported in the compound heterozygous state in individuals with autosomal recessive HSPG2-related disorders (Farshadyeganeh et al. 2024. PubMed ID: 38424183; McMichael et al. 2015. PubMed ID: 25666757). Variants that disrupt the consensus splice donor site in HSPG2 are expected to be pathogenic. This variant is interpreted as likely pathogenic.

NM_005529.7(HSPG2):c.11562+1G>T

Gene: HSPG2 (heparan sulfate proteoglycan 2; minus strand). Cytogenetic location: 1p36.12.
Variant type: single nucleotide variant.
Coding change: c.11562+1G>T on transcript NM_005529.7 (MANE Select); the canonical splice donor site of the intron after coding-DNA position 11562, G replaced by T.
Molecular consequence: splice donor variant.
Genome position (GRCh38, 1-based): chr1:21,831,214, C>A on the plus strand (G>T on the coding strand, the complement: HSPG2 is on the minus strand). VCF-style: chr1-21831214-C-A. GRCh37 (hg19) VCF-style: chr1-22157707-C-A.
Other names: c.11565+1G>T (NM_001291860.2).
Identifiers: ClinVar variation 4984474 (VCV004984474.1).